The following is an entry in ClinVar:

NM_004320.6(ATP2A1):c.580G>A (p.Val194Ile)

Gene: ATP2A1 (ATPase sarcoplasmic/endoplasmic reticulum Ca2+ transporting 1; plus strand). Cytogenetic location: 16p11.2.
Variant type: single nucleotide variant.
Coding change: c.580G>A on transcript NM_004320.6 (MANE Select); coding-DNA position 580, G replaced by A.
Protein change: p.Val194Ile; replaces valine 194 with isoleucine.
Molecular consequence: missense variant.
Genome position (GRCh38, 1-based): chr16:28,887,224, G>A. VCF-style: chr16-28887224-G-A. GRCh37 (hg19) VCF-style: chr16-28898545-G-A.
Other names: c.205G>A, p.Val69Ile (NM_001286075.2); c.580G>A, p.Val194Ile (NM_173201.5); short protein forms V194I, V69I.
Identifiers: ClinVar variation 451954 (VCV000451954.12), dbSNP rs201515814, ClinGen allele CA7986702.

ClinVar aggregate classification (germline): Uncertain significance. Review status: criteria provided, multiple submitters, no conflicts (2 of 4 stars). 3 submissions from 3 submitters: Uncertain significance (3). Last evaluated 2025-10-10.

Conditions:
Inborn genetic diseases. Identifiers: MedGen C0950123, MeSH D030342.
Brody myopathy. Also called: BRODY DISEASE. Identifiers: Orphanet 53347, MedGen C1832918, MONDO:0010977, OMIM 601003.

Allele frequency attached by ClinVar (database versions not stated): gnomAD 0.00003; ExAC 0.00004; TOPMed 0.00010; ESP Exome Variant Server 0.00023.
gnomAD v4.1: 64 of 1,613,600 alleles (0.004%); highest among the groups gnomAD compares: African/African-American, 0.027%; no homozygotes.

Submissions (3):

Labcorp Genetics (formerly Invitae), Labcorp
Classification: Uncertain significance for Brody myopathy. Last evaluated: 2025-10-10. Review status: criteria provided, single submitter. Criteria: Invitae Variant Classification Sherloc (09022015). Collection method: clinical testing. Allele origin: germline.
Comment: This sequence change replaces valine, which is neutral and non-polar, with isoleucine, which is neutral and non-polar, at codon 194 of the ATP2A1 protein (p.Val194Ile). This variant is present in population databases (rs201515814, gnomAD 0.02%). This variant has not been reported in the literature in individuals affected with ATP2A1-related conditions. ClinVar contains an entry for this variant (Variation ID: 451954). An algorithm developed to predict the effect of missense changes on protein structure and function (PolyPhen-2) suggests that this variant is likely to be tolerated. In summary, the available evidence is currently insufficient to determine the role of this variant in disease. Therefore, it has been classified as a Variant of Uncertain Significance.

GeneDx
Classification: Uncertain significance. Last evaluated: 2024-10-28. Review status: criteria provided, single submitter. Criteria: GeneDx Variant Classification Process June 2021. Collection method: clinical testing. Allele origin: germline. Affected: yes.
Comment: In silico analysis indicates that this missense variant does not alter protein structure/function; Has not been previously published as pathogenic or benign to our knowledge

Ambry Genetics
Classification: Uncertain significance for Inborn genetic diseases. Last evaluated: 2021-08-17. Review status: criteria provided, single submitter. Criteria: Ambry Variant Classification Scheme 2023. Collection method: clinical testing. Allele origin: germline.